The following is an entry in ClinVar:

ClinVar aggregate classification (germline): Pathogenic/Likely pathogenic. Review status: criteria provided, multiple submitters, no conflicts (2 of 4 stars). 6 submissions from 6 submitters: Pathogenic (3); Likely pathogenic (3). Last evaluated 2025-10-15.

Conditions:
Bardet-Biedl syndrome 2 (BBS2). Identifiers: Orphanet 110, MedGen C2936863, MONDO:0014432, OMIM 615981.
Retinitis pigmentosa 74 (RP74). Identifiers: Orphanet 791, MedGen C4225281, MONDO:0014692, OMIM 616562.
BBS2-related ciliopathy. Identifiers: MedGen CN378634, MONDO:1040048.
Bardet-Biedl syndrome (BBS). Identifiers: Orphanet 110, MedGen C0752166, MONDO:0015229.

Submissions (6):

Myriad Genetics, Inc.
Classification: Likely pathogenic for BBS2-related ciliopathy. Last evaluated: 2025-10-15. Review status: criteria provided, single submitter. Criteria: Myriad Autosomal Dominant, Autosomal Recessive and X-Linked Classification Criteria (2023). Collection method: clinical testing. Allele origin: unknown.
Comment: NM_031885.3(BBS2):c.79A>C(T27P) is a missense variant classified as likely pathogenic in the context of Bardet-Biedl syndrome, BBS2-related. T27P has been observed in cases with relevant disease (PMID: 31630094, 37031301, 33777945, 38584252). Relevant functional assessments of this variant are not available in the literature. T27P has not been observed in referenced population frequency databases. In summary, NM_031885.3(BBS2):c.79A>C(T27P) is a missense variant that has been observed more frequently in cases with the relevant disease than in healthy populations. Please note: this variant was assessed in the context of healthy population screening.

Natera, Inc.
Classification: Pathogenic for Bardet-Biedl syndrome type 2. Last evaluated: 2025-08-19. Review status: criteria provided, single submitter. Criteria: Natera Variant Classification Schema (03/2026). Collection method: clinical testing. Allele origin: germline.
Comment: The c.79A>C variant in BBS2 is a missense variant predicted to cause substitution of threonine to proline at amino acid 27. This variant is rare in the general population with a frequency below the threshold expected for the associated phenotype(s). This variant has been observed in one or more individuals affected with the associated recessive disease, as either homozygous or compound heterozygous with a second variant (PMID: 38584252, 37031301, 33777945). Additionally, this variant has been observed to segregate in affected family members (PMID: 37031301). Multiple computational prediction algorithms suggest this variant is unlikely to affect gene or protein function. Given the available evidence, this variant is classified as Pathogenic.

Fulgent Genetics
Classification: Pathogenic for Bardet-Biedl syndrome 2; Retinitis pigmentosa 74. Last evaluated: 2024-05-17. Review status: criteria provided, single submitter. Criteria: ACMG Guidelines, 2015. Collection method: clinical testing. Allele origin: germline.

Women's Health and Genetics/Laboratory Corporation of America, LabCorp
Classification: Pathogenic for Bardet-Biedl syndrome. Last evaluated: 2024-05-10. Review status: criteria provided, single submitter. Criteria: LabCorp Variant Classification Summary - May 2015. Collection method: clinical testing. Allele origin: germline.
Comment: Variant summary: BBS2 c.79A>C (p.Thr27Pro) results in a non-conservative amino acid change located in the Ciliary BBSome complex subunit 2, N-terminal (IPR029430) of the encoded protein sequence. Four of five in-silico tools predict a benign effect of the variant on protein function. The variant was absent in 248912 control chromosomes. c.79A>C has been reported in the literature in either the presumed compound heterozygous or homozygous state in multiple individuals affected with BBS2-spectrum disease ranging from nonsyndromic retinopathy to classic Bardet-Biedl syndrome (example, Bai_2021, Meng_2021, Xu_2020, Zhong_2023). These data indicate that the variant is very likely to be associated with disease. To our knowledge, no experimental evidence demonstrating an impact on protein function has been reported. The following publications have been ascertained in the context of this evaluation (PMID: 33781268, 33777945, 31630094, 37031301). ClinVar contains an entry for this variant (Variation ID: 1986519). Based on the evidence outlined above, the variant was classified as pathogenic.

Labcorp Genetics (formerly Invitae), Labcorp
Classification: Likely pathogenic for Bardet-Biedl syndrome. Last evaluated: 2023-10-13. Review status: criteria provided, single submitter. Criteria: Invitae Variant Classification Sherloc (09022015). Collection method: clinical testing. Allele origin: germline.
Comment: This sequence change replaces threonine, which is neutral and polar, with proline, which is neutral and non-polar, at codon 27 of the BBS2 protein (p.Thr27Pro). This variant is not present in population databases (gnomAD no frequency). This missense change has been observed in individual(s) with BBS2-related conditions (PMID: 31630094, 33777945, 33781268). It has also been observed to segregate with disease in related individuals. ClinVar contains an entry for this variant (Variation ID: 1986519). Advanced modeling of protein sequence and biophysical properties (such as structural, functional, and spatial information, amino acid conservation, physicochemical variation, residue mobility, and thermodynamic stability) performed at Invitae indicates that this missense variant is not expected to disrupt BBS2 protein function. In summary, the currently available evidence indicates that the variant is pathogenic, but additional data are needed to prove that conclusively. Therefore, this variant has been classified as Likely Pathogenic.

Juno Genomics, Hangzhou Juno Genomics, Inc
Classification: Likely pathogenic for Bardet-Biedl syndrome 2. Review status: criteria provided, single submitter. Criteria: ACMG Guidelines, 2015. Collection method: clinical testing. Allele origin: germline.
Comment: Absent from controls (or at extremely low frequency if recessive) in Genome Aggregation Database.;Multiple lines of computational evidence suggest no impact on gene or gene product.;For recessive disorders, detected in trans with a pathogenic variant.;Patient's phenotype or family history is highly specific for a disease with a single genetic etiology.

Literature cited by the submitters: PubMed 31630094 (cited by 3 submitters); PubMed 33777945 (cited by 4 submitters); PubMed 37031301 (cited by 3 submitters); PubMed 38584252 (cited by Myriad Genetics, Inc. and Natera, Inc.); PubMed 33781268 (cited by Women's Health and Genetics/Laboratory Corporation of America, LabCorp and Labcorp Genetics (formerly Invitae), Labcorp).

NM_031885.5(BBS2):c.79A>C (p.Thr27Pro)

Gene: BBS2 (Bardet-Biedl syndrome 2; minus strand). Cytogenetic location: 16q13.
Variant type: single nucleotide variant.
Coding change: c.79A>C on transcript NM_031885.5 (MANE Select); coding-DNA position 79, A replaced by C.
Protein change: p.Thr27Pro; replaces threonine 27 with proline.
Molecular consequence: missense variant. On other transcripts: non-coding transcript variant (5).
Genome position (GRCh38, 1-based): chr16:56,519,784, T>G on the plus strand (A>C on the coding strand, the complement: BBS2 is on the minus strand). VCF-style: chr16-56519784-T-G. GRCh37 (hg19) VCF-style: chr16-56553696-T-G.
Other names: c.79A>C, p.Thr27Pro (NM_001377456.1); c.79A>C (NM_031885.3); short protein forms T27P.
Identifiers: ClinVar variation 1986519 (VCV001986519.9), dbSNP rs776681366, ClinGen allele CA395988064.